The following is an entry in ClinVar:

ClinVar aggregate classification (germline): Uncertain significance (1 of 4 stars; one submission).

Conditions:
Glanzmann thrombasthenia. Also called: PLATELET GLYCOPROTEIN IIb-IIIa DEFICIENCY; BLEEDING DISORDER, PLATELET-TYPE, 2; THROMBASTHENIA OF GLANZMANN AND NAEGELI; Thrombasthenia; Glanzmann's thrombasthenia. Identifiers: Orphanet 849, MedGen C0040015, MONDO:0100326.

Allele frequency attached by ClinVar (database versions not stated): ExAC 0.00001.
gnomAD v4.1: 1 of 1,613,358 alleles (0.000062%); highest among the groups gnomAD compares: Admixed American, 0.0017%; no homozygotes.

Submission:

Labcorp Genetics (formerly Invitae), Labcorp
Classification: Uncertain significance for Glanzmann thrombasthenia. Last evaluated: 2023-08-25. Review status: criteria provided, single submitter. Criteria: Invitae Variant Classification Sherloc (09022015). Collection method: clinical testing. Allele origin: germline.
Comment: In summary, the available evidence is currently insufficient to determine the role of this variant in disease. Therefore, it has been classified as a Variant of Uncertain Significance. Advanced modeling of protein sequence and biophysical properties (such as structural, functional, and spatial information, amino acid conservation, physicochemical variation, residue mobility, and thermodynamic stability) has been performed at Invitae for this missense variant, however the output from this modeling did not meet the statistical confidence thresholds required to predict the impact of this variant on ITGA2B protein function. This variant has not been reported in the literature in individuals affected with ITGA2B-related conditions. This variant is present in population databases (rs75622274, gnomAD 0.003%). This sequence change replaces isoleucine, which is neutral and non-polar, with serine, which is neutral and polar, at codon 405 of the ITGA2B protein (p.Ile405Ser).

NM_000419.5(ITGA2B):c.1214T>G (p.Ile405Ser)

Gene: ITGA2B (integrin subunit alpha 2b; minus strand). Cytogenetic location: 17q21.31.
Variant type: single nucleotide variant.
Coding change: c.1214T>G on transcript NM_000419.5 (MANE Select); coding-DNA position 1214, T replaced by G.
Protein change: p.Ile405Ser; replaces isoleucine 405 with serine.
Molecular consequence: missense variant.
Genome position (GRCh38, 1-based): chr17:44,381,058, A>C on the plus strand (T>G on the coding strand, the complement: ITGA2B is on the minus strand). VCF-style: chr17-44381058-A-C. GRCh37 (hg19) VCF-style: chr17-42458426-A-C.
Other names: short protein forms I405S.
Identifiers: ClinVar variation 2906105 (VCV002906105.3), dbSNP rs75622274, ClinGen allele CA8603189.
Genomic context (GRCh38, chr17:44,381,058, plus strand): 5'-CCCAGGAACACCAGCACTTGGCCCCGGCCACTGGGACCCCCGTAGGGGGCAGCCACTGCA[A>C]TGTCTGGAAGGAGTAACAGAAAGGAAGTGGCTGATTGTTATTCAGCCTCCCTAGATGACT-3'
Protein context (NP_000410.2, residues 395-415): GDLDRDGYND[Ile405Ser]AVAAPYGGPS